The following is an entry in ClinVar:

NM_025103.4(IFT74):c.82A>G (p.Ile28Val)

Gene: IFT74 (intraflagellar transport 74; plus strand). Cytogenetic location: 9p21.2.
Variant type: single nucleotide variant.
Coding change: c.82A>G on transcript NM_025103.4 (MANE Select); coding-DNA position 82, A replaced by G.
Protein change: p.Ile28Val; replaces isoleucine 28 with valine.
Molecular consequence: missense variant.
Genome position (GRCh38, 1-based): chr9:26,962,049, A>G. VCF-style: chr9-26962049-A-G. GRCh37 (hg19) VCF-style: chr9-26962047-A-G.
Other names: NC_000009.11:g.26962047A>G; c.82A>G (NM_025103.2); c.82A>G, p.Ile28Val (NM_001099222.3, NM_001099223.3, NM_001099224.3 and 1 more transcripts); short protein forms I28V.
Identifiers: ClinVar variation 4355531 (VCV004355531.3).

ClinVar aggregate classification (germline): Uncertain significance. Review status: criteria provided, multiple submitters, no conflicts (2 of 4 stars). 2 submissions from 2 submitters: Uncertain significance (2). Last evaluated 2025-12-03.

Conditions:
IFT74-related disorder. Also called: IFT74-Related Disorders; IFT74-related condition.

gnomAD v4.1: 38 of 1,614,086 alleles (0.0024%); highest among the groups gnomAD compares: Non-Finnish European, 0.0031%; no homozygotes.

Submissions (3):

Labcorp Genetics (formerly Invitae), Labcorp
Classification: Uncertain significance. Last evaluated: 2025-12-03. Review status: criteria provided, single submitter. Criteria: Invitae Variant Classification Sherloc (09022015). Collection method: clinical testing. Allele origin: germline.
Comment: This sequence change replaces isoleucine, which is neutral and non-polar, with valine, which is neutral and non-polar, at codon 28 of the IFT74 protein (p.Ile28Val). This variant is present in population databases (rs764119440, gnomAD 0.004%). This variant has not been reported in the literature in individuals affected with IFT74-related conditions. An algorithm developed to predict the effect of missense changes on protein structure and function outputs the following: PolyPhen-2: "Benign". The valine amino acid residue is found in multiple mammalian species, which suggests that this missense change does not adversely affect protein function. In summary, the available evidence is currently insufficient to determine the role of this variant in disease. Therefore, it has been classified as a Variant of Uncertain Significance.

PreventionGenetics, part of Exact Sciences
Classification: Uncertain significance for IFT74-related condition. Last evaluated: 2025-10-08. Review status: criteria provided, single submitter. Criteria: ACMG Guidelines, 2015. Collection method: clinical testing. Allele origin: germline.
Comment: The IFT74 c.82A>G variant is predicted to result in the amino acid substitution p.Ile28Val. To our knowledge, this variant has not been reported in the literature. This variant is reported in 0.0053% of alleles in individuals of European (Non-Finnish) descent in gnomAD. At this time, the clinical significance of this variant is uncertain due to the absence of conclusive functional and genetic evidence.

Dr. Peter K. Rogan Lab, Western University
No classification provided (evidence only). Condition: Colorectal cancer. Review status: no classification provided. Collection method: in vitro. Allele origin: not applicable. Functional consequence: retained intron. Not counted in ClinVar's aggregate classification.